The following is an entry in ClinVar:

NM_000458.4(HNF1B):c.522_525del (p.Arg174fs)

Gene: HNF1B (HNF1 homeobox B; minus strand). Cytogenetic location: 17q12.
Variant type: Deletion.
Coding change: c.522_525del on transcript NM_000458.4 (MANE Select); coding-DNA positions 522 to 525, 4 bases deleted (AAAG; older notation c.522_525delAAAG).
Protein change: p.Arg174fs; shifts the reading frame from arginine 174.
Molecular consequence: frameshift variant.
Genome position (GRCh38, 1-based): chr17:37,739,459-37,739,462, CTTT deleted on the plus strand (AAAG on the coding strand, the reverse complement: HNF1B is on the minus strand); deleting any 4 consecutive bases within chr17:37,739,459-37,739,464 gives the same sequence; the c. name uses the placement nearest the transcript's 3' end. VCF-style (leftmost placement, unchanged base first): chr17-37739458-GCTTT-G. GRCh37 (hg19) VCF-style: chr17-36099449-GCTTT-G.
Other names: c.522_525del, p.Arg174fs (NM_001165923.4, NM_001304286.2); short protein forms R174fs.
Identifiers: ClinVar variation 635676 (VCV000635676.1), dbSNP rs2511828153, ClinGen allele CA913190789.
Genomic context (GRCh38, chr17:37,739,458, plus strand): 5'-GGTCACTTCAGGTTGAGGCAGAGGCAGGATGAAAACACTTACGTCGGAGGATCTCTCGTT[GCTTT>G]CTGACGTACCAGGTGTACAGAGCGGCACGCTTCTGGGTCTTCATAGGGGTGCCCTTGTTG-3'

ClinVar aggregate classification (germline): Pathogenic (1 of 4 stars; one submission).

Conditions:
Renal cysts and diabetes syndrome (RCAD). Also called: Familial hypoplastic, glomerulocystic kidney; MATURITY-ONSET DIABETES OF THE YOUNG, TYPE 5. Identifiers: Orphanet 93111, MedGen C0431693, MONDO:0007669, OMIM 137920.

Submission:

Institute of Human Genetics, FAU Erlangen, Friedrich-Alexander-Universität Erlangen-Nürnberg
Classification: Pathogenic for Renal cysts and diabetes syndrome. Last evaluated: 2019-07-06. Review status: criteria provided, single submitter. Criteria: ACMG Guidelines, 2015. Collection method: literature only. Allele origin: germline. Affected: yes.
Comment: This variant and it's classification has been reported by Vasileiou et al. 2019; DOI:10.1101/576918. The variants has previously been reported in LOVD:#0000285114 as "HNF1B:c.522_525delAAAG (R174Sfs*19)" with clinical significance Pathogenic. It has been re-classified using InterVar and manual curation as Pathogenic based on PVS1 PM2 PP3.

Literature cited by the submitters: DOI 10.1101/576918.